The following is an entry in ClinVar:

ClinVar aggregate classification (germline): Likely benign. Review status: criteria provided, multiple submitters, no conflicts (2 of 4 stars). 5 submissions from 5 submitters: Likely benign (5). Last evaluated 2026-06-15.

Conditions:
Early-infantile DEE. Also called: Early infantile epileptic encephalopathy; Ohtahara syndrome; Early infantile epileptic encephalopathy with suppression bursts. Identifiers: Orphanet 1934, MedGen C0393706, MONDO:0800491.

Allele frequency attached by ClinVar (database versions not stated): gnomAD 0.00001 and 0.00002; TOPMed 0.00006; gnomAD exomes 0.00007; ExAC 0.00008.
gnomAD v4.1: 120 of 1,592,710 alleles (0.0075%); highest among the groups gnomAD compares: Non-Finnish European, 0.0096%; no homozygotes.

Submissions (5):

Women's Health and Genetics/Laboratory Corporation of America, LabCorp
Classification: Likely benign. Last evaluated: 2026-06-15. Review status: criteria provided, single submitter. Criteria: LabCorp Variant Classification Summary - May 2015. Collection method: clinical testing. Allele origin: germline.
Comment: Variant summary: KCNQ2 c.1631+18C>T alters a nucleotide located at a position not widely known to affect splicing. Consensus agreement among computation tools predict no significant impact on normal splicing. However, these predictions have yet to be confirmed by functional studies. The variant allele was found at a frequency of 7.3e-05 in 246732 control chromosomes. This frequency is not significantly higher than estimated for disease-causing variants in KCNQ2, allowing no conclusion about variant significance. To our knowledge, no occurrence of c.1631+18C>T in individuals affected with KCNQ2-related conditions and no experimental evidence demonstrating its impact on protein function have been reported. ClinVar contains an entry for this variant (Variation ID: 378028). Based on the evidence outlined above, the variant was classified as likely benign.

Labcorp Genetics (formerly Invitae), Labcorp
Classification: Likely benign for Early-infantile DEE. Last evaluated: 2025-03-22. Review status: criteria provided, single submitter. Criteria: Invitae Variant Classification Sherloc (09022015). Collection method: clinical testing. Allele origin: germline.

Blueprint Genetics
Classification: Likely benign. Last evaluated: 2024-10-31. Review status: criteria provided, single submitter. Criteria: ACMG Guidelines, 2015. Collection method: clinical testing. Allele origin: germline.

GeneDx
Classification: Likely benign. Last evaluated: 2018-03-05. Review status: criteria provided, single submitter. Criteria: GeneDx Variant Classification (06012015). Collection method: clinical testing. Allele origin: germline. Affected: yes.
Comment: This variant is considered likely benign or benign based on one or more of the following criteria: it is a conservative change, it occurs at a poorly conserved position in the protein, it is predicted to be benign by multiple in silico algorithms, and/or has population frequency not consistent with disease.

Breakthrough Genomics
Classification: Likely benign. Review status: criteria provided, single submitter. Criteria: ACMG Guidelines, 2015. Collection method: not provided. Allele origin: germline. Inheritance: Autosomal dominant inheritance. Affected: yes.

NM_172107.4(KCNQ2):c.1631+18C>T

Gene: KCNQ2 (potassium voltage-gated channel subfamily Q member 2; minus strand). Cytogenetic location: 20q13.33.
Variant type: single nucleotide variant.
Coding change: c.1631+18C>T on transcript NM_172107.4 (MANE Select); 18 bases into the intron after coding-DNA position 1631, C replaced by T.
Molecular consequence: intron variant.
Genome position (GRCh38, 1-based): chr20:63,414,070, G>A on the plus strand (C>T on the coding strand, the complement: KCNQ2 is on the minus strand). VCF-style: chr20-63414070-G-A. GRCh37 (hg19) VCF-style: chr20-62045423-G-A.
Other names: c.1547+18C>T (NM_004518.6); c.1538+18C>T (NM_172108.5); c.1577+18C>T (NM_172106.3).
Identifiers: ClinVar variation 378028 (VCV000378028.12), dbSNP rs773276077, ClinGen allele CA9958391.